The following is an entry in ClinVar:

NM_014053.4(FLVCR1):c.*2968G>A

Gene: FLVCR1 (FLVCR choline and heme transporter 1; plus strand). Cytogenetic location: 1q32.3.
Variant type: single nucleotide variant.
Coding change: c.*2968G>A on transcript NM_014053.4 (MANE Select); 2968 bases downstream of the stop codon, G replaced by A.
Molecular consequence: 3 prime UTR variant.
Genome position (GRCh38, 1-based): chr1:212,898,258, G>A. VCF-style: chr1-212898258-G-A. GRCh37 (hg19) VCF-style: chr1-213071600-G-A.
Identifiers: ClinVar variation 295391 (VCV000295391.6), dbSNP rs10902, ClinGen allele CA10609842.

ClinVar aggregate classification (germline): Benign. Review status: criteria provided, multiple submitters, no conflicts (2 of 4 stars). 2 submissions from 2 submitters: Benign (2). Last evaluated 2018-01-12.

Conditions:
Posterior column ataxia-retinitis pigmentosa syndrome (RETSNS). Also called: RETINOPATHY-SENSORY NEUROPATHY SYNDROME. Identifiers: Orphanet 88628, MedGen C1836916, MONDO:0012177, OMIM 609033.

Allele frequency attached by ClinVar (database versions not stated): gnomAD 0.21622 and 0.22135; TOPMed 0.24670; 1000 Genomes Project 0.28435; 1000 Genomes Project 30x 0.28592.

Submissions (2):

Illumina Laboratory Services, Illumina
Classification: Benign for Posterior column ataxia-retinitis pigmentosa syndrome. Last evaluated: 2018-01-12. Review status: criteria provided, single submitter. Criteria: ICSL Variant Classification Criteria 13 December 2019. Collection method: clinical testing. Allele origin: germline.
Comment: This variant was observed in the ICSL laboratory as part of a predisposition screen in an ostensibly healthy population. It had not been previously curated by ICSL or reported in the Human Gene Mutation Database (HGMD: prior to June 1st, 2018), and was therefore a candidate for classification through an automated scoring system. Utilizing variant allele frequency, disease prevalence and penetrance estimates, and inheritance mode, an automated score was calculated to assess if this variant is too frequent to cause the disease. Based on the score and internal cut-off values, a variant classified as benign is not then subjected to further curation. The score for this variant resulted in a classification of benign for this disease.

Breakthrough Genomics
Classification: Benign. Review status: criteria provided, single submitter. Criteria: ACMG Guidelines, 2015. Collection method: not provided. Allele origin: germline. Inheritance: Autosomal recessive inheritance. Affected: yes.